The following is an entry in ClinVar:

ClinVar aggregate classification (germline): Uncertain significance. Review status: criteria provided, single submitter (1 of 4 stars). 2 submissions from 2 submitters: Uncertain significance (1). 1 of the submissions does not count toward it. Last evaluated 2020-10-29.

Conditions:
Alport syndrome. Also called: Hemorrhagic familial nephritis; Hemorrhagic hereditary nephritis; Congenital hereditary hematuria. Identifiers: Orphanet 63, MedGen C1567741, MONDO:0018965.

Allele frequency attached by ClinVar (database versions not stated): TOPMed below 0.00001; gnomAD 0.00001; gnomAD exomes 0.00002 and 0.00004; ExAC 0.00007.
gnomAD v4.1: 30 of 1,614,042 alleles (0.0019%); highest among the groups gnomAD compares: Non-Finnish European, 0.0023%; no homozygotes.

Submissions (2):

GeneDx
Classification: Uncertain significance. Last evaluated: 2020-10-29. Review status: criteria provided, single submitter. Criteria: GeneDx Variant Classification Process June 2021. Collection method: clinical testing. Allele origin: germline. Affected: yes.
Comment: In silico analysis, which includes protein predictors and evolutionary conservation, supports a deleterious effect; Affects a glycine residue in a Gly-X-Y motif in the triple helical region of the COL4A4 gene; Has not been previously published as pathogenic or benign to our knowledge

Natera, Inc.
Classification: Uncertain significance for Alport syndrome. Last evaluated: 2020-06-24. Review status: no assertion criteria provided. Collection method: clinical testing. Allele origin: germline. Not counted in ClinVar's aggregate classification.

NM_000092.5(COL4A4):c.2294G>T (p.Gly765Val)

Gene: COL4A4 (collagen type IV alpha 4 chain; minus strand). Cytogenetic location: 2q36.3.
Variant type: single nucleotide variant.
Coding change: c.2294G>T on transcript NM_000092.5 (MANE Select); coding-DNA position 2294, G replaced by T.
Protein change: p.Gly765Val; replaces glycine 765 with valine.
Molecular consequence: missense variant.
Genome position (GRCh38, 1-based): chr2:227,059,494, C>A on the plus strand (G>T on the coding strand, the complement: COL4A4 is on the minus strand). VCF-style: chr2-227059494-C-A. GRCh37 (hg19) VCF-style: chr2-227924210-C-A.
Other names: short protein forms G765V.
Identifiers: ClinVar variation 1202185 (VCV001202185.4), dbSNP rs747881404, ClinGen allele CA2144845.